The following is an entry in ClinVar:

NM_000548.5(TSC2):c.5221A>C (p.Ile1741Leu)

Gene: TSC2 (TSC complex subunit 2; plus strand). Cytogenetic location: 16p13.3.
Variant type: single nucleotide variant.
Coding change: c.5221A>C on transcript NM_000548.5 (MANE Select); coding-DNA position 5221, A replaced by C.
Protein change: p.Ile1741Leu; replaces isoleucine 1741 with leucine.
Molecular consequence: missense variant. On other transcripts: non-coding transcript variant (5).
Genome position (GRCh38, 1-based): chr16:2,088,287, A>C. VCF-style: chr16-2088287-A-C. GRCh37 (hg19) VCF-style: chr16-2138288-A-C.
Other names: c.5020A>C, p.Ile1674Leu (NM_001077183.3); c.5152A>C, p.Ile1718Leu (NM_001114382.3); c.4912A>C, p.Ile1638Leu (NM_001318827.2); c.4876A>C, p.Ile1626Leu (NM_001318829.2); c.4489A>C, p.Ile1497Leu (NM_001318831.2); c.5053A>C, p.Ile1685Leu (NM_001318832.2); c.5023A>C, p.Ile1675Leu (NM_001363528.2); c.5089A>C, p.Ile1697Leu (NM_001370404.1); and 27 more; short protein forms I1638L, I1655L, I1681L, I1694L, I1704L, I1741L, I1270L, I1474L.
Identifiers: ClinVar variation 5031392 (VCV005031392.1).

ClinVar aggregate classification (germline): Uncertain significance (1 of 4 stars; one submission).

Conditions:
Hereditary cancer-predisposing syndrome. Also called: Neoplastic Syndromes, Hereditary; Tumor predisposition; Hereditary neoplastic syndrome; Hereditary Cancer Syndrome. Identifiers: Orphanet 140162, MedGen C0027672, MeSH D009386, MONDO:0015356.

Submission:

Ambry Genetics
Classification: Uncertain significance for Hereditary cancer-predisposing syndrome. Last evaluated: 2026-08-23. Review status: criteria provided, single submitter. Criteria: Ambry Variant Classification Scheme 2023. Collection method: clinical testing. Allele origin: germline.
Comment: The p.I1741L variant (also known as c.5221A>C), located in coding exon 40 of the TSC2 gene, results from an A to C substitution at nucleotide position 5221. The isoleucine at codon 1741 is replaced by leucine, an amino acid with highly similar properties. This amino acid position is conserved. In addition, the in silico prediction for this alteration is inconclusive. Based on the available evidence, the clinical significance of this variant remains unclear.